The following is an entry in ClinVar:

NM_000545.8(HNF1A):c.1754G>C (p.Ser585Thr)

Gene: HNF1A (HNF1 homeobox A; plus strand). Cytogenetic location: 12q24.31.
Variant type: single nucleotide variant.
Coding change: c.1754G>C on transcript NM_000545.8 (MANE Select); coding-DNA position 1754, G replaced by C.
Protein change: p.Ser585Thr; replaces serine 585 with threonine.
Molecular consequence: missense variant.
Genome position (GRCh38, 1-based): chr12:120,999,613, G>C. VCF-style: chr12-120999613-G-C. GRCh37 (hg19) VCF-style: chr12-121437416-G-C.
Other names: c.1775G>C, p.Ser592Thr (NM_001306179.2); c.1562G>C, p.Ser521Thr (NM_001406915.1); short protein forms S521T, S585T, S592T.
Identifiers: ClinVar variation 2416009 (VCV002416009.3), dbSNP rs759401462, ClinGen allele CA6832165.
Genomic context (GRCh38, chr12:120,999,613, plus strand): 5'-TCCACGTCCCCAGCCAGGACCCTGCCAGCATCCAGCACCTGCAGCCGGCCCACCGGCTCA[G>C]CGCCAGCCCCACAGGTGAGAGGCCCTGGCTCCACCCCCTCCCTTACTGTCCCTGCCCCCT-3'
Protein context (NP_000536.6, residues 575-595): IQHLQPAHRL[Ser585Thr]ASPTVSSSSL

ClinVar aggregate classification (germline): Uncertain significance (1 of 4 stars; one submission).

Allele frequency attached by ClinVar (database versions not stated): gnomAD 0.00001; gnomAD exomes 0.00001; TOPMed 0.00001; ExAC 0.00002.
gnomAD v4.1: 25 of 1,610,686 alleles (0.0016%); highest among the groups gnomAD compares: Non-Finnish European, 0.0018%; no homozygotes.

Submission:

Labcorp Genetics (formerly Invitae), Labcorp
Classification: Uncertain significance. Last evaluated: 2022-04-25. Review status: criteria provided, single submitter. Criteria: Invitae Variant Classification Sherloc (09022015). Collection method: clinical testing. Allele origin: germline.
Comment: This sequence change replaces serine, which is neutral and polar, with threonine, which is neutral and polar, at codon 585 of the HNF1A protein (p.Ser585Thr). This variant is present in population databases (rs759401462, gnomAD 0.002%). This variant has not been reported in the literature in individuals affected with HNF1A-related conditions. Advanced modeling of protein sequence and biophysical properties (such as structural, functional, and spatial information, amino acid conservation, physicochemical variation, residue mobility, and thermodynamic stability) performed at Invitae indicates that this missense variant is not expected to disrupt HNF1A protein function. In summary, the available evidence is currently insufficient to determine the role of this variant in disease. Therefore, it has been classified as a Variant of Uncertain Significance.